The following is an entry in ClinVar:

ClinVar aggregate classification (germline): Uncertain significance (1 of 4 stars; one submission).

Submission:

CeGaT Center for Human Genetics Tuebingen
Classification: Uncertain significance. Last evaluated: 2022-10-01. Review status: criteria provided, single submitter. Criteria: CeGaT Center For Human Genetics Tuebingen Variant Classification Criteria Version 2. Collection method: clinical testing. Allele origin: germline. Affected: yes. Observed: 1 variant allele.
Comment: FAT1: PM2, BP4

NM_005245.4(FAT1):c.8147T>G (p.Val2716Gly)

Gene: FAT1 (FAT atypical cadherin 1; minus strand). Cytogenetic location: 4q35.2.
Variant type: single nucleotide variant.
Coding change: c.8147T>G on transcript NM_005245.4 (MANE Select); coding-DNA position 8147, T replaced by G.
Protein change: p.Val2716Gly; replaces valine 2716 with glycine.
Molecular consequence: missense variant.
Genome position (GRCh38, 1-based): chr4:186,618,439, A>C on the plus strand (T>G on the coding strand, the complement: FAT1 is on the minus strand). VCF-style: chr4-186618439-A-C. GRCh37 (hg19) VCF-style: chr4-187539593-A-C.
Other names: short protein forms V2716G.
Identifiers: ClinVar variation 2655223 (VCV002655223.24), dbSNP rs2126495287, ClinGen allele CA358961997.